The following is an entry in ClinVar:

NM_004415.4(DSP):c.1965T>C (p.Ile655=)

Gene: DSP (desmoplakin; plus strand). Cytogenetic location: 6p24.3.
Variant type: single nucleotide variant.
Coding change: c.1965T>C on transcript NM_004415.4 (MANE Select); coding-DNA position 1965, T replaced by C.
Protein change: p.Ile655=; no amino-acid change (isoleucine 655 retained).
Molecular consequence: synonymous variant.
Genome position (GRCh38, 1-based): chr6:7,571,903, T>C. VCF-style: chr6-7571903-T-C. GRCh37 (hg19) VCF-style: chr6-7572136-T-C.
Other names: c.1965T>C, p.Ile655= (NM_001008844.3, NM_001319034.2).
Identifiers: ClinVar variation 2952305 (VCV002952305.4), dbSNP rs2533896443, ClinGen allele CA448713954.
Genomic context (GRCh38, chr6:7,571,903, plus strand): 5'-GACCACAACTGAAATCACTCATCATGGAACCTGCCAAGATGTCAACCATAATAAAGTAAT[T>C]GAAACCAACAGAGAAAATGACAAGCAAGAAACATGGATGCTGATGGAGCTGCAGAAGATT-3'
Protein context (NP_004406.2, residues 645-665): TCQDVNHNKV[Ile655=]ETNRENDKQE

ClinVar aggregate classification (germline): Likely benign. Review status: criteria provided, multiple submitters, no conflicts (2 of 4 stars). 2 submissions from 2 submitters: Likely benign (2). Last evaluated 2023-11-02.

Conditions:
Arrhythmogenic cardiomyopathy with wooly hair and keratoderma. Also called: PALMOPLANTAR KERATODERMA WITH LEFT VENTRICULAR CARDIOMYOPATHY AND WOOLLY HAIR; Carvajal syndrome; Dilated cardiomyopathy with woolly hair and keratoderma; Arrhythmogenic cardiomyopathy with woolly hair and keratoderma. Identifiers: Orphanet 65282, MedGen C1854063, MONDO:0011581, OMIM 605676.
Arrhythmogenic right ventricular dysplasia 8 (ARVD8). Also called: Arrhythmogenic Right Ventricular Dysplasia/Cardiomyopathy 8; ARRHYTHMOGENIC RIGHT VENTRICULAR DYSPLASIA, FAMILIAL, 8; ARRHYTHMOGENIC RIGHT VENTRICULAR CARDIOMYOPATHY 8. Identifiers: MedGen C1843896, MONDO:0011831, OMIM 607450.

Submissions (2):

All of Us Research Program, National Institutes of Health
Classification: Likely benign for Arrhythmogenic cardiomyopathy with wooly hair and keratoderma. Last evaluated: 2023-11-02. Review status: criteria provided, single submitter. Criteria: ACMG Guidelines, 2015. Collection method: clinical testing. Allele origin: germline. Inheritance: Autosomal dominant inheritance. Observed: 1 variant allele, 1 heterozygote.
Comment: This study involves interpretation of variants in research participants for the purpose of population health screening. Participant phenotype was not available at the time of variant classification. Additional details can be found in publication PMID: 35346344, PMCID: PMC8962531

Labcorp Genetics (formerly Invitae), Labcorp
Classification: Likely benign for Arrhythmogenic cardiomyopathy with wooly hair and keratoderma; Arrhythmogenic right ventricular dysplasia 8. Last evaluated: 2022-11-20. Review status: criteria provided, single submitter. Criteria: Invitae Variant Classification Sherloc (09022015). Collection method: clinical testing. Allele origin: germline.